The following is an entry in ClinVar:

ClinVar aggregate classification (germline): Uncertain significance (1 of 4 stars; one submission).

gnomAD v4.1: 16 of 1,550,252 alleles (0.001%); highest among the groups gnomAD compares: South Asian, 0.018%; no homozygotes.

Submission:

Labcorp Genetics (formerly Invitae), Labcorp
Classification: Uncertain significance. Last evaluated: 2026-01-18. Review status: criteria provided, single submitter. Criteria: Invitae Variant Classification Sherloc (09022015). Collection method: clinical testing. Allele origin: germline.
Comment: This sequence change replaces glutamic acid, which is acidic and polar, with lysine, which is basic and polar, at codon 2617 of the ZNF469 protein (p.Glu2617Lys). This variant is present in population databases (rs774855163, gnomAD 0.02%). This variant has not been reported in the literature in individuals affected with ZNF469-related conditions. An algorithm developed to predict the effect of missense changes on protein structure and function outputs the following: PolyPhen-2: "Benign". The lysine amino acid residue is found in multiple mammalian species, which suggests that this missense change does not adversely affect protein function. In summary, the available evidence is currently insufficient to determine the role of this variant in disease. Therefore, it has been classified as a Variant of Uncertain Significance.

NM_001367624.2(ZNF469):c.7933G>A (p.Glu2645Lys)

Gene: ZNF469 (zinc finger protein 469; plus strand). Cytogenetic location: 16q24.2.
Variant type: single nucleotide variant.
Coding change: c.7933G>A on transcript NM_001367624.2 (MANE Select); coding-DNA position 7933, G replaced by A.
Protein change: p.Glu2645Lys; replaces glutamic acid 2645 with lysine.
Molecular consequence: missense variant.
Genome position (GRCh38, 1-based): chr16:88,435,403, G>A. VCF-style: chr16-88435403-G-A. GRCh37 (hg19) VCF-style: chr16-88501811-G-A.
Other names: short protein forms E2645K.
Identifiers: ClinVar variation 4764607 (VCV004764607.1).